The following is an entry in ClinVar:

ClinVar aggregate classification (germline): Uncertain significance. Review status: criteria provided, multiple submitters, no conflicts (2 of 4 stars). 3 submissions from 3 submitters: Uncertain significance (3). Last evaluated 2025-02-08.

Conditions:
Inborn genetic diseases. Identifiers: MedGen C0950123, MeSH D030342.

Allele frequency attached by ClinVar (database versions not stated): ExAC 0.00002; gnomAD 0.00002 and 0.00003; gnomAD exomes 0.00002; 1000 Genomes Project 30x 0.00016; 1000 Genomes Project 0.00020.
gnomAD v4.1: 19 of 1,613,942 alleles (0.0012%); highest among the groups gnomAD compares: South Asian, 0.0066%; no homozygotes.

Submissions (3):

Ambry Genetics
Classification: Uncertain significance for Inborn genetic diseases. Last evaluated: 2025-02-08. Review status: criteria provided, single submitter. Criteria: Ambry Variant Classification Scheme 2023. Collection method: clinical testing. Allele origin: germline.

Revvity Omics, Revvity
Classification: Uncertain significance. Last evaluated: 2023-02-27. Review status: criteria provided, single submitter. Criteria: ACMG Guidelines, 2015. Collection method: clinical testing. Allele origin: germline.

Labcorp Genetics (formerly Invitae), Labcorp
Classification: Uncertain significance. Last evaluated: 2021-11-11. Review status: criteria provided, single submitter. Criteria: Invitae Variant Classification Sherloc (09022015). Collection method: clinical testing. Allele origin: germline.
Comment: This sequence change replaces arginine, which is basic and polar, with glutamine, which is neutral and polar, at codon 1293 of the PCDH15 protein (p.Arg1293Gln). This variant is present in population databases (rs536702239, gnomAD 0.006%). This variant has not been reported in the literature in individuals affected with PCDH15-related conditions. Algorithms developed to predict the effect of missense changes on protein structure and function are either unavailable or do not agree on the potential impact of this missense change (SIFT: "Tolerated"; PolyPhen-2: "Probably Damaging"; Align-GVGD: "Class C0"). In summary, the available evidence is currently insufficient to determine the role of this variant in disease. Therefore, it has been classified as a Variant of Uncertain Significance.

NM_001384140.1(PCDH15):c.3878G>A (p.Arg1293Gln)

Gene: PCDH15 (protocadherin related 15; minus strand). Cytogenetic location: 10q21.1.
Variant type: single nucleotide variant.
Coding change: c.3878G>A on transcript NM_001384140.1 (MANE Select); coding-DNA position 3878, G replaced by A.
Protein change: p.Arg1293Gln; replaces arginine 1293 with glutamine.
Molecular consequence: missense variant.
Genome position (GRCh38, 1-based): chr10:53,840,425, C>T on the plus strand (G>A on the coding strand, the complement: PCDH15 is on the minus strand). VCF-style: chr10-53840425-C-T. GRCh37 (hg19) VCF-style: chr10-55600185-C-T.
Other names: c.3878G>A (NM_033056.3); c.3893G>A, p.Arg1298Gln (NM_001142763.2, NM_001142771.2); c.3878G>A, p.Arg1293Gln (NM_001142764.2, NM_001142766.2, NM_001142770.3 and 4 more transcripts); c.3665G>A, p.Arg1222Gln (NM_001142765.2); c.3767G>A, p.Arg1256Gln (NM_001142767.2); c.3812G>A, p.Arg1271Gln (NM_001142768.2, NM_001142773.2, NM_001354404.2); c.3914G>A, p.Arg1305Gln (NM_001142769.4); c.3899G>A, p.Arg1300Gln (NM_001354411.2); short protein forms R1256Q, R1293Q, R1222Q, R1271Q, R1298Q, R1300Q, R1305Q.
Identifiers: ClinVar variation 1405542 (VCV001405542.6), dbSNP rs536702239, ClinGen allele CA5505518.